The following is an entry in ClinVar:

ClinVar aggregate classification (germline): Uncertain significance (1 of 4 stars; one submission).

Submission:

Labcorp Genetics (formerly Invitae), Labcorp
Classification: Uncertain significance. Last evaluated: 2024-04-29. Review status: criteria provided, single submitter. Criteria: Invitae Variant Classification Sherloc (09022015). Collection method: clinical testing. Allele origin: germline.
Comment: This sequence change replaces isoleucine, which is neutral and non-polar, with methionine, which is neutral and non-polar, at codon 243 of the THPO protein (p.Ile243Met). This variant is not present in population databases (gnomAD no frequency). This variant has not been reported in the literature in individuals affected with THPO-related conditions. Advanced modeling of protein sequence and biophysical properties (such as structural, functional, and spatial information, amino acid conservation, physicochemical variation, residue mobility, and thermodynamic stability) performed at Invitae indicates that this missense variant is not expected to disrupt THPO protein function with a negative predictive value of 80%. In summary, the available evidence is currently insufficient to determine the role of this variant in disease. Therefore, it has been classified as a Variant of Uncertain Significance.

NM_000460.4(THPO):c.729C>G (p.Ile243Met)

Gene: THPO (thrombopoietin; minus strand). Cytogenetic location: 3q27.1.
Variant type: single nucleotide variant.
Coding change: c.729C>G on transcript NM_000460.4 (MANE Select); coding-DNA position 729, C replaced by G.
Protein change: p.Ile243Met; replaces isoleucine 243 with methionine.
Molecular consequence: missense variant.
Genome position (GRCh38, 1-based): chr3:184,372,846, G>C on the plus strand (C>G on the coding strand, the complement: THPO is on the minus strand). VCF-style: chr3-184372846-G-C. GRCh37 (hg19) VCF-style: chr3-184090634-G-C.
Other names: c.717C>G, p.Ile239Met (NM_001177597.2, NM_001290022.1); c.712C>G, p.Pro238Ala (NM_001177598.2, NM_001290026.1); c.613C>G, p.Pro205Ala (NM_001289997.1, NM_001290027.1); c.729C>G, p.Ile243Met (NM_001289998.1, NM_001290028.1); c.1149C>G, p.Ile383Met (NM_001290003.1); short protein forms I243M, P238A, I239M, I383M, P205A.
Identifiers: ClinVar variation 3651587 (VCV003651587.2).
Genomic context (GRCh38, chr3:184,372,846, plus strand): 5'-TCCAGGAAAGAGTCCACGAGTTCCATTCAAGAGTTCGTGTATCCTGTTCAGGTATCCGGG[G>C]ATTTGGTCCAGGGACCTGGAGGTTTGGTTCAGCAGACCAGGAATCTTGGCTCTGAATCCC-3'
Protein context (NP_000451.1, residues 233-253): LNQTSRSLDQ[Ile243Met]PGYLNRIHEL